The following is an entry in ClinVar:

NM_000135.4(FANCA):c.2170A>C (p.Thr724Pro)

Gene: FANCA (FA complementation group A; minus strand). Cytogenetic location: 16q24.3.
Variant type: single nucleotide variant.
Coding change: c.2170A>C on transcript NM_000135.4 (MANE Select); coding-DNA position 2170, A replaced by C.
Protein change: p.Thr724Pro; replaces threonine 724 with proline.
Molecular consequence: missense variant.
Genome position (GRCh38, 1-based): chr16:89,770,616, T>G on the plus strand (A>C on the coding strand, the complement: FANCA is on the minus strand). VCF-style: chr16-89770616-T-G. GRCh37 (hg19) VCF-style: chr16-89837024-T-G.
Other names: c.2170A>C, p.Thr724Pro (NM_001286167.3); short protein forms T724P.
Identifiers: ClinVar variation 974328 (VCV000974328.1), dbSNP rs2039290343, ClinGen allele CA397447351.

ClinVar aggregate classification (germline): Pathogenic (0 of 4 stars; one submission).

Conditions:
Fanconi anemia complementation group A (FANCA). Also called: Fanconi anemia, group A; FANCA-Related Fanconi Anemia. Identifiers: Orphanet 84, MedGen C3469521, MONDO:0009215, OMIM 227650.

gnomAD v4.1: 5 of 1,611,320 alleles (0.00031%); highest among the groups gnomAD compares: East Asian, 0.011%; no homozygotes.

Submission:

Leiden Open Variation Database
Classification: Pathogenic for Fanconi anemia complementation group A. Last evaluated: 2020-02-28. Review status: no assertion criteria provided. Collection method: curation. Allele origin: germline. Affected: yes.
Comment: Curator: Arleen D. Auerbach. Submitter to LOVD: Arleen D. Auerbach.

Literature cited by the submitters: PubMed 15523645.